The following is an entry in ClinVar:

ClinVar aggregate classification (germline): Pathogenic/Likely pathogenic. Review status: criteria provided, multiple submitters, no conflicts (2 of 4 stars). 2 submissions from 2 submitters: Pathogenic (1); Likely pathogenic (1). Last evaluated 2024-10-09.

Conditions:
Intellectual developmental disorder, autosomal dominant 48. Also called: Intellectual disability, autosomal dominant 48; MENTAL RETARDATION, AUTOSOMAL DOMINANT 48. Identifiers: Orphanet 500159, MedGen C4540321, MONDO:0030913, OMIM 617751.
RAC1-related disorder. Also called: RAC1-related condition.

Submissions (2):

Victorian Clinical Genetics Services, Murdoch Childrens Research Institute
Classification: Pathogenic for Intellectual developmental disorder, autosomal dominant 48. Last evaluated: 2024-10-09. Review status: criteria provided, single submitter. Criteria: ACMG Guidelines, 2015. Collection method: clinical testing. Allele origin: germline. Inheritance: Autosomal dominant inheritance. Affected: yes.
Comment: Based on the classification scheme VCGS_Germline_v1.3.4, this variant is classified as Pathogenic. Following criteria are met: 0105 - The mechanism of disease for this gene is not clearly established. (I) 0107 - This gene is associated with autosomal dominant disease. (I) 0200 - Variant is predicted to result in a missense amino acid change from tyrosine to histidine. (I) 0251 - This variant is heterozygous. (I) 0301 - Variant is absent from gnomAD (both v2 and v3). (SP) 0502 - Missense variant with conflicting in silico predictions and high conservation. (I) 0603 - Missense variant in a region that is highly intolerant to missense variation (high constraint region in DECIPHER). (SP) 0705 - No comparable missense variants have previous evidence for pathogenicity. (I) 0803 - This variant has limited previous evidence of pathogenicity in an unrelated individuals. This variant has been reported as de novo in an individual with hydrocephalus, facial dysmorphism, hydronephrosis, congenital cataracts and nasolacrimal obstruction. (PMID: 34725860). (SP) 0905 - No published segregation evidence has been identified for this variant. (I) 1007 - No published functional evidence has been identified for this variant. (SP) Legend: (SP) - Supporting pathogenic, (I) - Information, (SB) - Supporting benign

Blueprint Genetics
Classification: Likely pathogenic for RAC1-related disorders. Last evaluated: 2019-01-09. Review status: criteria provided, single submitter. Criteria: ACMG Guidelines, 2015. Collection method: clinical testing. Allele origin: de novo. Affected: yes. Observed: 1 variant allele.

Literature cited by the submitters: PubMed 34725860 (cited by Victorian Clinical Genetics Services, Murdoch Childrens Research Institute).

NM_006908.5(RAC1):c.94T>C (p.Tyr32His)

Gene: RAC1 (Rac family small GTPase 1; plus strand). Cytogenetic location: 7p22.1.
Variant type: single nucleotide variant.
Coding change: c.94T>C on transcript NM_006908.5 (MANE Select); coding-DNA position 94, T replaced by C.
Protein change: p.Tyr32His; replaces tyrosine 32 with histidine.
Molecular consequence: missense variant.
Genome position (GRCh38, 1-based): chr7:6,387,270, T>C. VCF-style: chr7-6387270-T-C. GRCh37 (hg19) VCF-style: chr7-6426901-T-C.
Other names: c.94T>C, p.Tyr32His (NM_018890.4); short protein forms Y32H.
Identifiers: ClinVar variation 3377146 (VCV003377146.2).